The following is an entry in ClinVar:

ClinVar aggregate classification (germline): Benign/Likely benign. Review status: criteria provided, multiple submitters, no conflicts (2 of 4 stars). 6 submissions from 6 submitters: Benign (1); Likely benign (5). Last evaluated 2026-01-20.

Conditions:
Cardiomyopathy (CMYO). Also called: Cardiomyopathies. Identifiers: Orphanet 167848, MedGen C0878544, MONDO:0004994, HP:0001638. Inheritance: Various modes of inheritance.
Cardiovascular phenotype. Identifiers: MedGen CN230736.
Hypertrophic cardiomyopathy. Also called: HYPERTROPHIC MYOCARDIOPATHY. Identifiers: Orphanet 217569, MedGen C0007194, MeSH D002312, MONDO:0005045, HP:0001639.

Allele frequency attached by ClinVar (database versions not stated): gnomAD 0.00001; ExAC 0.00002; gnomAD exomes 0.00002 and 0.00005; TOPMed 0.00002.
gnomAD v4.1: 69 of 1,613,806 alleles (0.0043%); highest among the groups gnomAD compares: Non-Finnish European, 0.0055%; no homozygotes.

Submissions (6):

Labcorp Genetics (formerly Invitae), Labcorp
Classification: Likely benign for Hypertrophic cardiomyopathy. Last evaluated: 2026-01-20. Review status: criteria provided, single submitter. Criteria: Invitae Variant Classification Sherloc (09022015). Collection method: clinical testing. Allele origin: germline.

ARUP Laboratories, Molecular Genetics and Genomics, ARUP Laboratories
Classification: Likely benign. Last evaluated: 2025-01-10. Review status: criteria provided, single submitter. Criteria: ARUP Molecular Germline Variant Investigation Process 2024. Collection method: clinical testing. Allele origin: germline.

All of Us Research Program, National Institutes of Health
Classification: Likely benign for Hypertrophic cardiomyopathy. Last evaluated: 2023-11-30. Review status: criteria provided, single submitter. Criteria: ACMG Guidelines, 2015. Collection method: clinical testing. Allele origin: germline. Inheritance: Autosomal dominant inheritance. Observed: 6 variant alleles, 6 heterozygotes.
Comment: This study involves interpretation of variants in research participants for the purpose of population health screening. Participant phenotype was not available at the time of variant classification. Additional details can be found in publication PMID: 35346344, PMCID: PMC8962531

Ambry Genetics
Classification: Likely benign for Cardiovascular phenotype. Last evaluated: 2021-11-15. Review status: criteria provided, single submitter. Criteria: Ambry Variant Classification Scheme 2023. Collection method: clinical testing. Allele origin: germline.

Molecular Diagnostic Laboratory for Inherited Cardiovascular Disease, Montreal Heart Institute
Classification: Benign. Last evaluated: 2019-05-09. Review status: criteria provided, single submitter. Criteria: ACMG Guidelines, 2015. Collection method: clinical testing. Allele origin: germline. Affected: yes.

Color Diagnostics, LLC DBA Color Health
Classification: Likely benign for Cardiomyopathy. Last evaluated: 2018-11-30. Review status: criteria provided, single submitter. Criteria: ACMG Guidelines, 2015. Collection method: clinical testing. Allele origin: germline.

NM_000256.3(MYBPC3):c.2241C>T (p.Gly747=)

Gene: MYBPC3 (myosin binding protein C3; minus strand). Cytogenetic location: 11p11.2.
Variant type: single nucleotide variant.
Coding change: c.2241C>T on transcript NM_000256.3 (MANE Select); coding-DNA position 2241, C replaced by T.
Protein change: p.Gly747=; no amino-acid change (glycine 747 retained).
Molecular consequence: synonymous variant.
Genome position (GRCh38, 1-based): chr11:47,338,587, G>A on the plus strand (C>T on the coding strand, the complement: MYBPC3 is on the minus strand). VCF-style: chr11-47338587-G-A. GRCh37 (hg19) VCF-style: chr11-47360138-G-A.
Identifiers: ClinVar variation 699495 (VCV000699495.18), dbSNP rs755910458, ClinGen allele CA078596.